The following is an entry in ClinVar:

NM_002911.4(UPF1):c.554A>G (p.Asn185Ser)

Gene: UPF1 (UPF1 RNA helicase and ATPase; plus strand). Cytogenetic location: 19p13.11.
Variant type: single nucleotide variant.
Coding change: c.554A>G on transcript NM_002911.4 (MANE Select); coding-DNA position 554, A replaced by G.
Protein change: p.Asn185Ser; replaces asparagine 185 with serine.
Molecular consequence: missense variant.
Genome position (GRCh38, 1-based): chr19:18,850,167, A>G. VCF-style: chr19-18850167-A-G. GRCh37 (hg19) VCF-style: chr19-18960976-A-G.
Other names: c.554A>G, p.Asn185Ser (NM_001297549.2); short protein forms N185S.
Identifiers: ClinVar variation 1723589 (VCV001723589.2), dbSNP rs1350475686, ClinGen allele CA404871037.

ClinVar aggregate classification (germline): Uncertain significance (1 of 4 stars; one submission).

Allele frequency attached by ClinVar (database versions not stated): gnomAD exomes below 0.00001; TOPMed below 0.00001; gnomAD 0.00001.
gnomAD v4.1: 2 of 1,613,902 alleles (0.00012%); highest among the groups gnomAD compares: Non-Finnish European, 0.00017%; no homozygotes.

Submission:

GeneDx
Classification: Uncertain significance. Last evaluated: 2022-05-12. Review status: criteria provided, single submitter. Criteria: GeneDx Variant Classification Process June 2021. Collection method: clinical testing. Allele origin: germline. Affected: yes.
Comment: Not observed at significant frequency in large population cohorts (gnomAD); In silico analysis supports that this missense variant does not alter protein structure/function; Has not been previously published as pathogenic or benign to our knowledge